The following is an entry in ClinVar:

NM_002439.5(MSH3):c.2849G>A (p.Ser950Asn)

Gene: MSH3 (mutS homolog 3; plus strand). Cytogenetic location: 5q14.1.
Variant type: single nucleotide variant.
Coding change: c.2849G>A on transcript NM_002439.5 (MANE Select); coding-DNA position 2849, G replaced by A.
Protein change: p.Ser950Asn; replaces serine 950 with asparagine.
Molecular consequence: missense variant.
Genome position (GRCh38, 1-based): chr5:80,854,165, G>A. VCF-style: chr5-80854165-G-A. GRCh37 (hg19) VCF-style: chr5-80149984-G-A.
Other names: short protein forms S950N.
Identifiers: ClinVar variation 1393099 (VCV001393099.8), dbSNP rs1745877220, ClinGen allele CA360275530.
Genomic context (GRCh38, chr5:80,854,165, plus strand): 5'-CAAGGTGTTTTCATCTTGCTTGTAGGATGGGTGCTGCAGACAATATATATAAAGGACAGA[G>A]TACATTTATGGAAGAACTGACTGACACAGCAGAAATAATCAGAAAAGCAACATCACAGTC-3'
Protein context (NP_002430.3, residues 940-960): GAADNIYKGQ[Ser950Asn]TFMEELTDTA

ClinVar aggregate classification (germline): Uncertain significance (1 of 4 stars; one submission).

Allele frequency attached by ClinVar (database versions not stated): TOPMed below 0.00001; gnomAD 0.00001.
gnomAD v4.1: 1 of 1,613,504 alleles (0.000062%); no homozygotes.

Submission:

Labcorp Genetics (formerly Invitae), Labcorp
Classification: Uncertain significance. Last evaluated: 2024-12-22. Review status: criteria provided, single submitter. Criteria: Invitae Variant Classification Sherloc (09022015). Collection method: clinical testing. Allele origin: germline.
Comment: This sequence change replaces serine, which is neutral and polar, with asparagine, which is neutral and polar, at codon 950 of the MSH3 protein (p.Ser950Asn). This variant is not present in population databases (gnomAD no frequency). This variant has not been reported in the literature in individuals affected with MSH3-related conditions. ClinVar contains an entry for this variant (Variation ID: 1393099). An algorithm developed to predict the effect of missense changes on protein structure and function (PolyPhen-2) suggests that this variant is likely to be disruptive. In summary, the available evidence is currently insufficient to determine the role of this variant in disease. Therefore, it has been classified as a Variant of Uncertain Significance.